The following is an entry in ClinVar:

ClinVar aggregate classification (germline): Uncertain significance. Review status: criteria provided, multiple submitters, no conflicts (2 of 4 stars). 2 submissions from 2 submitters: Uncertain significance (2). Last evaluated 2023-11-14.

Conditions:
Hereditary nonpolyposis colorectal neoplasms. Identifiers: MedGen C0009405, MeSH D003123.
Hereditary cancer-predisposing syndrome. Also called: Tumor predisposition; Neoplastic Syndromes, Hereditary; Hereditary Cancer Syndrome; Hereditary neoplastic syndrome. Identifiers: Orphanet 140162, MedGen C0027672, MeSH D009386, MONDO:0015356.

Submissions (2):

Ambry Genetics
Classification: Uncertain significance for Hereditary cancer-predisposing syndrome. Last evaluated: 2023-11-14. Review status: criteria provided, single submitter. Criteria: Ambry Variant Classification Scheme 2023. Collection method: clinical testing. Allele origin: germline.
Comment: The p.D506E variant (also known as c.1518T>G), located in coding exon 4 of the MSH6 gene, results from a T to G substitution at nucleotide position 1518. The aspartic acid at codon 506 is replaced by glutamic acid, an amino acid with highly similar properties. This amino acid position is highly conserved in available vertebrate species. In addition, the in silico prediction for this alteration is inconclusive. Since supporting evidence is limited at this time, the clinical significance of this alteration remains unclear.

Labcorp Genetics (formerly Invitae), Labcorp
Classification: Uncertain significance for Hereditary nonpolyposis colorectal neoplasms. Last evaluated: 2021-10-10. Review status: criteria provided, single submitter. Criteria: Invitae Variant Classification Sherloc (09022015). Collection method: clinical testing. Allele origin: germline.
Comment: In summary, the available evidence is currently insufficient to determine the role of this variant in disease. Therefore, it has been classified as a Variant of Uncertain Significance. Advanced modeling of protein sequence and biophysical properties (such as structural, functional, and spatial information, amino acid conservation, physicochemical variation, residue mobility, and thermodynamic stability) performed at Invitae indicates that this missense variant is not expected to disrupt MSH6 protein function. This variant has not been reported in the literature in individuals affected with MSH6-related conditions. This variant is not present in population databases (ExAC no frequency). This sequence change replaces aspartic acid with glutamic acid at codon 506 of the MSH6 protein (p.Asp506Glu). The aspartic acid residue is highly conserved and there is a small physicochemical difference between aspartic acid and glutamic acid.

NM_000179.3(MSH6):c.1518T>G (p.Asp506Glu)

Gene: MSH6 (mutS homolog 6; plus strand). Cytogenetic location: 2p16.3.
Variant type: single nucleotide variant.
Coding change: c.1518T>G on transcript NM_000179.3 (MANE Select); coding-DNA position 1518, T replaced by G.
Protein change: p.Asp506Glu; replaces aspartic acid 506 with glutamic acid.
Molecular consequence: missense variant.
Genome position (GRCh38, 1-based): chr2:47,799,501, T>G. VCF-style: chr2-47799501-T-G. GRCh37 (hg19) VCF-style: chr2-48026640-T-G.
Other names: c.1128T>G, p.Asp376Glu (NM_001281492.2); c.612T>G, p.Asp204Glu (NM_001281493.2, NM_001281494.2); short protein forms D204E, D376E, D506E.
Identifiers: ClinVar variation 1385050 (VCV001385050.8), dbSNP rs775497704, ClinGen allele CA346746361.
Genomic context (GRCh38, chr2:47,799,501, plus strand): 5'-TGAGACTCCAGAAATGATGGAGGCACGATGTAGAAAGATGGCACATATATCCAAGTATGA[T>G]AGAGTGGTGAGGAGGGAGATCTGTAGGATCATTACCAAGGGTACACAGACTTACAGTGTG-3'
Protein context (NP_000170.1, residues 496-516): CRKMAHISKY[Asp506Glu]RVVRREICRI